The following is an entry in ClinVar:

NM_024105.4(ALG12):c.48G>C (p.Leu16=)

Gene: ALG12 (ALG12 alpha-1,6-mannosyltransferase; minus strand). Cytogenetic location: 22q13.33.
Variant type: single nucleotide variant.
Coding change: c.48G>C on transcript NM_024105.4 (MANE Select); coding-DNA position 48, G replaced by C.
Protein change: p.Leu16=; no amino-acid change (leucine 16 retained).
Molecular consequence: synonymous variant.
Genome position (GRCh38, 1-based): chr22:49,913,718, C>G on the plus strand (G>C on the coding strand, the complement: ALG12 is on the minus strand). VCF-style: chr22-49913718-C-G. GRCh37 (hg19) VCF-style: chr22-50307366-C-G.
Identifiers: ClinVar variation 342062 (VCV000342062.39), dbSNP rs143508665, ClinGen allele CA10300747.

ClinVar aggregate classification (germline): Benign/Likely benign. Review status: criteria provided, multiple submitters, no conflicts (2 of 4 stars). 5 submissions from 5 submitters: Benign (2); Likely benign (3). Last evaluated 2026-01-28.

Conditions:
ALG12-congenital disorder of glycosylation (CDG1G). Also called: Congenital disorder of glycosylation, type Ig; CDG Ig; ALG12-CDG. Identifiers: Orphanet 79324, MedGen C2931001, MONDO:0011783, OMIM 607143.

Allele frequency attached by ClinVar (database versions not stated): 1000 Genomes Project 30x 0.00281; 1000 Genomes Project 0.00300; gnomAD 0.00341 and 0.00377; TOPMed 0.00390; ESP Exome Variant Server 0.00423.
gnomAD v4.1: 1,061 of 1,613,564 alleles (0.066%); highest among the groups gnomAD compares: African/African-American, 1.1%; 6 homozygotes.

Submissions (5):

Labcorp Genetics (formerly Invitae), Labcorp
Classification: Benign for ALG12-congenital disorder of glycosylation. Last evaluated: 2026-01-28. Review status: criteria provided, single submitter. Criteria: Invitae Variant Classification Sherloc (09022015). Collection method: clinical testing. Allele origin: germline.

Blueprint Genetics
Classification: Likely benign. Last evaluated: 2024-11-26. Review status: criteria provided, single submitter. Criteria: ACMG Guidelines, 2015. Collection method: clinical testing. Allele origin: germline.

CeGaT Center for Human Genetics Tuebingen
Classification: Benign. Last evaluated: 2024-02-01. Review status: criteria provided, single submitter. Criteria: CeGaT Center For Human Genetics Tuebingen Variant Classification Criteria Version 2. Collection method: clinical testing. Allele origin: germline. Affected: yes. Observed: 1 variant allele.
Comment: ALG12: BP4, BS1, BS2

Illumina Laboratory Services, Illumina
Classification: Likely benign for ALG12-congenital disorder of glycosylation. Last evaluated: 2018-01-13. Review status: criteria provided, single submitter. Criteria: ICSL Variant Classification Criteria 13 December 2019. Collection method: clinical testing. Allele origin: germline.
Comment: This variant was observed in the ICSL laboratory as part of a predisposition screen in an ostensibly healthy population. It had not been previously curated by ICSL or reported in the Human Gene Mutation Database (HGMD: prior to June 1st, 2018), and was therefore a candidate for classification through an automated scoring system. Utilizing variant allele frequency, disease prevalence and penetrance estimates, and inheritance mode, an automated score was calculated to assess if this variant is too frequent to cause the disease. Based on the score and internal cut-off values, a variant classified as likely benign is not then subjected to further curation. The score for this variant resulted in a classification of likely benign for this disease.

Breakthrough Genomics
Classification: Likely benign. Review status: criteria provided, single submitter. Criteria: ACMG Guidelines, 2015. Collection method: not provided. Allele origin: germline. Inheritance: Autosomal recessive inheritance. Affected: yes.